The following is an entry in ClinVar:

ClinVar aggregate classification (germline): Pathogenic/Likely pathogenic. Review status: criteria provided, multiple submitters, no conflicts (2 of 4 stars). 2 submissions from 2 submitters: Pathogenic (1); Likely pathogenic (1). Last evaluated 2025-11-13.

Conditions:
Autosomal recessive polycystic kidney disease (ARPKD). Also called: AR polycystic kidney disease. Identifiers: Orphanet 731, Orphanet 8378, MedGen C0085548, MeSH D017044, MONDO:0009889.

Submissions (2):

Natera, Inc.
Classification: Likely pathogenic for Autosomal recessive polycystic kidney disease. Last evaluated: 2025-11-13. Review status: criteria provided, single submitter. Criteria: Natera Variant Classification Schema (03/2026). Collection method: clinical testing. Allele origin: germline.
Comment: The c.391-1G>C variant in PKHD1 is a canonical splice acceptor site variant predicted to affect pre-mRNA splicing, which may result in an abnormal transcript and altered protein product. This variant is expected to result in nonsense mediated decay, truncation, or a dysfunctional protein product. This variant is rare in the general population with a frequency below the threshold expected for the associated phenotype(s). Given the available evidence, this variant is classified as Likely Pathogenic.

Eurofins Ntd Llc (ga)
Classification: Pathogenic. Last evaluated: 2012-09-12. Review status: criteria provided, single submitter. Criteria: EGL Classification Definitions. Collection method: clinical testing. Allele origin: germline. Observed: 1 variant allele, 1 heterozygote.

NM_138694.4(PKHD1):c.391-1G>C

Gene: PKHD1 (PKHD1 ciliary IPT domain containing fibrocystin/polyductin; minus strand). Cytogenetic location: 6p12.2.
Variant type: single nucleotide variant.
Coding change: c.391-1G>C on transcript NM_138694.4 (MANE Select); the canonical splice acceptor site of the intron before coding-DNA position 391, G replaced by C.
Molecular consequence: splice acceptor variant.
Genome position (GRCh38, 1-based): chr6:52,076,334, C>G on the plus strand (G>C on the coding strand, the complement: PKHD1 is on the minus strand). VCF-style: chr6-52076334-C-G. GRCh37 (hg19) VCF-style: chr6-51941132-C-G.
Other names: c.391-1G>C (NM_170724.3).
Identifiers: ClinVar variation 96400 (VCV000096400.7), dbSNP rs398124485, ClinGen allele CA224072.